The following is an entry in ClinVar:

ClinVar aggregate classification (germline): Uncertain significance (1 of 4 stars; one submission).

Conditions:
Fanconi anemia (FA). Also called: Fanconi's anemia. Identifiers: Orphanet 84, MedGen C0015625, MeSH D005199, MONDO:0019391.

Submission:

Labcorp Genetics (formerly Invitae), Labcorp
Classification: Uncertain significance for Fanconi anemia. Last evaluated: 2025-07-30. Review status: criteria provided, single submitter. Criteria: Invitae Variant Classification Sherloc (09022015). Collection method: clinical testing. Allele origin: germline.
Comment: This sequence change falls in intron 28 of the FANCA gene. It does not directly change the encoded amino acid sequence of the FANCA protein. This variant is not present in population databases (gnomAD no frequency). This variant has not been reported in the literature in individuals affected with FANCA-related conditions. Algorithms developed to predict the effect of sequence changes on RNA splicing suggest that this variant may disrupt the consensus splice site. In summary, the available evidence is currently insufficient to determine the role of this variant in disease. Therefore, it has been classified as a Variant of Uncertain Significance.

NM_000135.4(FANCA):c.2778+9C>G

Gene: FANCA (FA complementation group A; minus strand). Cytogenetic location: 16q24.3.
Variant type: single nucleotide variant.
Coding change: c.2778+9C>G on transcript NM_000135.4 (MANE Select); 9 bases into the intron after coding-DNA position 2778, C replaced by G.
Molecular consequence: intron variant.
Genome position (GRCh38, 1-based): chr16:89,764,881, G>C on the plus strand (C>G on the coding strand, the complement: FANCA is on the minus strand). VCF-style: chr16-89764881-G-C. GRCh37 (hg19) VCF-style: chr16-89831289-G-C.
Other names: c.2778+9C>G (NM_001286167.3).
Identifiers: ClinVar variation 4744092 (VCV004744092.1).